The following is an entry in ClinVar:

ClinVar aggregate classification (germline): Likely benign (1 of 4 stars; one submission).

Submission:

Mayo Clinic Laboratories, Mayo Clinic
Classification: Likely benign. Last evaluated: 2025-08-10. Review status: criteria provided, single submitter. Criteria: ACMG Guidelines, 2015. Collection method: clinical testing. Allele origin: germline. Observed: 1 variant allele.
Comment: BP1, BP4

NM_001201550.3(CFHR4):c.1464G>C (p.Gln488His)

Gene: CFHR4 (complement factor H related 4; plus strand). Cytogenetic location: 1q31.3.
Variant type: single nucleotide variant.
Coding change: c.1464G>C on transcript NM_001201550.3 (MANE Select); coding-DNA position 1464, G replaced by C.
Protein change: p.Gln488His; replaces glutamine 488 with histidine.
Molecular consequence: missense variant.
Genome position (GRCh38, 1-based): chr1:196,915,062, G>C. VCF-style: chr1-196915062-G-C. GRCh37 (hg19) VCF-style: chr1-196884192-G-C.
Other names: p.Gln487His; c.1461G>C, p.Gln487His (NM_001201551.2); c.723G>C, p.Gln241His (NM_006684.5); short protein forms Q241H, Q487H, Q488H.
Identifiers: ClinVar variation 4684008 (VCV004684008.1).
Genomic context (GRCh38, chr1:196,915,062, plus strand): 5'-TACCACCTCCTTTCTACTAAAAGTGTATGTGCCACAGTCAAGAGTCGAGTACCAATGCCA[G>C]TCCTACTATGAACTTCAGGGTTCTAATTATGTAACATGTAGTAATGGAGAGTGGTCGGAA-3'
Protein context (NP_001188479.1, residues 478-498): VPQSRVEYQC[Gln488His]SYYELQGSNY